The following is an entry in ClinVar:

ClinVar aggregate classification (germline): Uncertain significance (1 of 4 stars; one submission).

gnomAD v4.1: 1 of 1,612,408 alleles (0.000062%); highest among the groups gnomAD compares: Non-Finnish European, 0.000085%; no homozygotes.

Submission:

Labcorp Genetics (formerly Invitae), Labcorp
Classification: Uncertain significance. Last evaluated: 2024-07-01. Review status: criteria provided, single submitter. Criteria: Invitae Variant Classification Sherloc (09022015). Collection method: clinical testing. Allele origin: germline.
Comment: This sequence change replaces leucine, which is neutral and non-polar, with phenylalanine, which is neutral and non-polar, at codon 9 of the ABL1 protein (p.Leu9Phe). This variant is not present in population databases (gnomAD no frequency). This variant has not been reported in the literature in individuals affected with ABL1-related conditions. Advanced modeling of protein sequence and biophysical properties (such as structural, functional, and spatial information, amino acid conservation, physicochemical variation, residue mobility, and thermodynamic stability) performed at Invitae indicates that this missense variant is not expected to disrupt ABL1 protein function with a negative predictive value of 95%. In summary, the available evidence is currently insufficient to determine the role of this variant in disease. Therefore, it has been classified as a Variant of Uncertain Significance.

NM_007313.3(ABL1):c.25C>T (p.Leu9Phe)

Genes: ABL1 (ABL proto-oncogene 1, non-receptor tyrosine kinase; plus strand), LOC107980440 (ABL breakpoint recombination region; plus strand). Cytogenetic location: 9q34.12.
Variant type: single nucleotide variant.
Coding change: c.25C>T on transcript NM_007313.3; coding-DNA position 25, C replaced by T.
Protein change: p.Leu9Phe; replaces leucine 9 with phenylalanine.
Molecular consequence: missense variant.
Genome position (GRCh38, 1-based): chr9:130,714,344, C>T. VCF-style: chr9-130714344-C-T. GRCh37 (hg19) VCF-style: chr9-133589731-C-T.
Other names: short protein forms L9F.
Identifiers: ClinVar variation 3635931 (VCV003635931.2).